The following is an entry in ClinVar:

ClinVar aggregate classification (germline): Uncertain significance (1 of 4 stars; one submission).

Conditions:
Perrault syndrome. Also called: Gonadal dysgenesis with auditory dysfunction, autosomal recessive inheritance. Identifiers: Orphanet 2855, MedGen C0685838, MONDO:0017312.
Bifunctional peroxisomal enzyme deficiency (DBIF). Also called: DBP DEFICIENCY; PBFE DEFICIENCY; D-bifunctional protein deficiency. Identifiers: Orphanet 300, MedGen C0342870, MONDO:0009855, OMIM 261515. Disease mechanism: loss of function.

Allele frequency attached by ClinVar (database versions not stated): ExAC 0.00001; gnomAD 0.00001; TOPMed 0.00001.
gnomAD v4.1: 15 of 1,549,844 alleles (0.00097%); highest among the groups gnomAD compares: Non-Finnish European, 0.0013%; no homozygotes.

Submission:

Labcorp Genetics (formerly Invitae), Labcorp
Classification: Uncertain significance for Perrault syndrome; Bifunctional peroxisomal enzyme deficiency. Last evaluated: 2022-01-10. Review status: criteria provided, single submitter. Criteria: Invitae Variant Classification Sherloc (09022015). Collection method: clinical testing. Allele origin: germline.
Comment: This sequence change falls in intron 13 of the HSD17B4 gene. It does not directly change the encoded amino acid sequence of the HSD17B4 protein. It affects a nucleotide within the consensus splice site. This variant is present in population databases (rs749753383, gnomAD 0.002%). This variant has not been reported in the literature in individuals affected with HSD17B4-related conditions. Variants that disrupt the consensus splice site are a relatively common cause of aberrant splicing (PMID: 17576681, 9536098). Algorithms developed to predict the effect of sequence changes on RNA splicing suggest that this variant may disrupt the consensus splice site. In summary, the available evidence is currently insufficient to determine the role of this variant in disease. Therefore, it has been classified as a Variant of Uncertain Significance.

Literature cited by the submitters: PubMed 17576681; PubMed 9536098.

NM_000414.4(HSD17B4):c.1209+5G>T

Gene: HSD17B4 (hydroxysteroid 17-beta dehydrogenase 4; plus strand). Cytogenetic location: 5q23.1.
Variant type: single nucleotide variant.
Coding change: c.1209+5G>T on transcript NM_000414.4 (MANE Select); 5 bases into the intron after coding-DNA position 1209, G replaced by T.
Molecular consequence: intron variant.
Genome position (GRCh38, 1-based): chr5:119,499,558, G>T. VCF-style: chr5-119499558-G-T. GRCh37 (hg19) VCF-style: chr5-118835253-G-T.
Other names: c.882+5G>T (NM_001374499.1); c.798+5G>T (NM_001374502.1, NM_001374501.1, NM_001374503.1); c.768+5G>T (NM_001374500.1); c.789+5G>T (NM_001292028.2); c.1137+5G>T (NM_001292027.2); c.1209+5G>T (NM_001374498.1); c.1200+5G>T (NM_001374497.1); c.1155+5G>T (NM_001199292.2); and 1 more.
Identifiers: ClinVar variation 2151722 (VCV002151722.1), dbSNP rs749753383, ClinGen allele CA3382109.